The following is an entry in ClinVar:

NM_001375808.2(LPIN2):c.*1586G>A

Gene: LPIN2 (lipin 2; minus strand). Cytogenetic location: 18p11.31.
Variant type: single nucleotide variant.
Coding change: c.*1586G>A on transcript NM_001375808.2 (MANE Select); 1586 bases downstream of the stop codon, G replaced by A.
Molecular consequence: 3 prime UTR variant.
Genome position (GRCh38, 1-based): chr18:2,918,707, C>T on the plus strand (G>A on the coding strand, the complement: LPIN2 is on the minus strand). VCF-style: chr18-2918707-C-T. GRCh37 (hg19) VCF-style: chr18-2918705-C-T.
Other names: c.*1586G>A (NM_001375809.1, NM_014646.2).
Identifiers: ClinVar variation 326581 (VCV000326581.5), dbSNP rs144299426, ClinGen allele CA10650649.

ClinVar aggregate classification (germline): Likely benign (1 of 4 stars; one submission).

Conditions:
Majeed syndrome (MJDS). Also called: CHRONIC RECURRENT MULTIFOCAL OSTEOMYELITIS 1, WITH CONGENITAL DYSERYTHROPOIETIC ANEMIA, WITH OR WITHOUT NEUTROPHILIC DERMATOSIS; LPIN2-Related Majeed Syndrome. Identifiers: Orphanet 77297, MedGen C1864997, MONDO:0012316, OMIM 609628.

Allele frequency attached by ClinVar (database versions not stated): gnomAD 0.00354 and 0.00382; TOPMed 0.00407; 1000 Genomes Project 0.00419; 1000 Genomes Project 30x 0.00453.

Submission:

Illumina Laboratory Services, Illumina
Classification: Likely benign for Majeed syndrome. Last evaluated: 2018-01-13. Review status: criteria provided, single submitter. Criteria: ICSL Variant Classification Criteria 13 December 2019. Collection method: clinical testing. Allele origin: germline.
Comment: This variant was observed in the ICSL laboratory as part of a predisposition screen in an ostensibly healthy population. It had not been previously curated by ICSL or reported in the Human Gene Mutation Database (HGMD: prior to June 1st, 2018), and was therefore a candidate for classification through an automated scoring system. Utilizing variant allele frequency, disease prevalence and penetrance estimates, and inheritance mode, an automated score was calculated to assess if this variant is too frequent to cause the disease. Based on the score and internal cut-off values, a variant classified as likely benign is not then subjected to further curation. The score for this variant resulted in a classification of likely benign for this disease.